The following is an entry in ClinVar:

NM_001385641.1(SAMD11):c.2296A>G (p.Arg766Gly)

Gene: SAMD11 (sterile alpha motif domain containing 11; plus strand). Cytogenetic location: 1p36.33.
Variant type: single nucleotide variant.
Coding change: c.2296A>G on transcript NM_001385641.1 (MANE Select); coding-DNA position 2296, A replaced by G.
Protein change: p.Arg766Gly; replaces arginine 766 with glycine.
Molecular consequence: missense variant.
Genome position (GRCh38, 1-based): chr1:943,914, A>G. VCF-style: chr1-943914-A-G. GRCh37 (hg19) VCF-style: chr1-879294-A-G.
Other names: c.2299A>G, p.Arg767Gly (NM_001385640.1); c.1807A>G, p.Arg603Gly (NM_152486.4); short protein forms R603G, R766G, R767G.
Identifiers: ClinVar variation 1022147 (VCV001022147.9), dbSNP rs1283110348, ClinGen allele CA337817416.
Genomic context (GRCh38, chr1:943,914, plus strand): 5'-GCAGAAAGCTCTGGGTGGGTGTGCGACAGCCCCCACCAGGCCATCTCTCTGCAGGTGGCC[A>G]GGCGCCTGGGCCGAGTTTTCTACGTGGCCAGCTTCCCCGTGGCTCTGCCACTGCAGCCAC-3'
Protein context (NP_001372570.1, residues 756-776): PALKIRAQVA[Arg766Gly]RLGRVFYVAS

ClinVar aggregate classification (germline): Uncertain significance. Review status: criteria provided, multiple submitters, no conflicts (2 of 4 stars). 2 submissions from 2 submitters: Uncertain significance (2). Last evaluated 2023-08-01.

Allele frequency attached by ClinVar (database versions not stated): gnomAD exomes below 0.00001 and 0.00002; TOPMed 0.00001; gnomAD 0.00002.
gnomAD v4.1: 24 of 1,612,680 alleles (0.0015%); highest among the groups gnomAD compares: Non-Finnish European, 0.002%; no homozygotes.

Submissions (2):

Blueprint Genetics
Classification: Uncertain significance. Last evaluated: 2023-08-01. Review status: criteria provided, single submitter. Criteria: ACMG Guidelines, 2015. Collection method: clinical testing. Allele origin: germline.

Labcorp Genetics (formerly Invitae), Labcorp
Classification: Uncertain significance. Last evaluated: 2020-07-01. Review status: criteria provided, single submitter. Criteria: Invitae Variant Classification Sherloc (09022015). Collection method: clinical testing. Allele origin: germline.
Comment: In summary, the available evidence is currently insufficient to determine the role of this variant in disease. Therefore, it has been classified as a Variant of Uncertain Significance. Algorithms developed to predict the effect of missense changes on protein structure and function are either unavailable or do not agree on the potential impact of this missense change (SIFT: "Deleterious"; PolyPhen-2: "Benign"; Align-GVGD: "Class C0"). This variant has not been reported in the literature in individuals with SAMD11-related conditions. This variant is not present in population databases (ExAC no frequency). This sequence change replaces arginine with glycine at codon 603 of the SAMD11 protein (p.Arg603Gly). The arginine residue is weakly conserved and there is a moderate physicochemical difference between arginine and glycine.